The following is an entry in ClinVar:

ClinVar aggregate classification (germline): Likely benign. Review status: reviewed by expert panel (3 of 4 stars). 12 submissions from 10 submitters: Likely benign (1). 11 of the submissions do not count toward it. Last evaluated 2024-08-12.

Conditions:
von Willebrand disease type 3 (VWD3). Also called: Type 3 Von Willebrand's disease; Type 3 VWD; Von Willebrand disease, severe form; V WD3; VON WILLEBRAND DISEASE, TYPE III. Identifiers: Orphanet 166096, MedGen C1264041, MONDO:0010191, OMIM 277480.
von Willebrand disease type 2 (VWD2). Also called: VON WILLEBRAND DISEASE, TYPE 2A/IIE; VON WILLEBRAND DISEASE, TYPE 2CB; VON WILLEBRAND DISEASE, TYPE II; VWD, TYPE 2. Identifiers: Orphanet 166081, Orphanet 903, MedGen C1264040, MONDO:0013304, OMIM 613554.
von Willebrand disease type 1 (VWD1). Also called: VON WILLEBRAND DISEASE, TYPE I; VWD, TYPE 1. Identifiers: Orphanet 166078, Orphanet 903, MedGen C1264039, MONDO:0008668, OMIM 193400. Inheritance: autosomal recessive or autosomal dominant.
Hereditary von Willebrand disease. Identifiers: Orphanet 903, MedGen C5703318, MONDO:0019565. Inheritance: Autosomal recessive or Autosomal dominant.

Allele frequency attached by ClinVar (database versions not stated): ExAC 0.00242; gnomAD 0.00776 and 0.00842; ESP Exome Variant Server 0.00838; TOPMed 0.00903; 1000 Genomes Project 0.00938; 1000 Genomes Project 30x 0.00968.
gnomAD v4.1: 2,262 of 1,614,132 alleles (0.14%); highest among the groups gnomAD compares: African/African-American, 2.6%; 35 homozygotes.

Submissions (12):

ClinGen von Willebrand Disease Variant Curation Expert Panel, ClinGen
Classification: Likely benign for Hereditary von Willebrand disease. Last evaluated: 2024-08-12. Review status: reviewed by expert panel. Criteria: ClinGen VWD 2A B M Rules. Collection method: curation. Allele origin: germline.
Comment: NM_000552.5:c.2900G>A is a missense variant in VWF that replaces glycine with aspartic acid at position 967. The Grpmax filtering allele frequency in gnomAD v4.1 is 0.02526 (based on 967/75012 alleles in the African / African-American population, with 34 homozygotes), which is higher than the ClinGen VWD VCEP threshold of >0.01 (BS1). This variant has been reported in at least 1 patient with a diagnosis of VWD Type 3 and a phenotype including reduced quantity of VWF antigen. However, PP4 was not met due to the absence of other phenotype details and the presence of two additional variants (p.C350AfsX107 and p.C2774W) without reported confirmation of phase (PMID:23777763). This variant has also been reported in the heterozygous state in at least 7 reported healthy control individuals with no bleeding history and normal lab values (PMID: 22197721). However, BS2 has not been considered since this code is not applicable to the gene-disease relationship due to incomplete penetrance. In summary, this variant meets the criteria to be classified as a variant of unknown significance for hereditary von Willebrand disease based on the ACMG/AMP criteria applied, as specified by the ClinGen VWD VCEP: BS1, PP4.

Mayo Clinic Laboratories, Mayo Clinic
Classification: Uncertain significance. Last evaluated: 2024-12-18. Review status: criteria provided, single submitter. Criteria: ACMG Guidelines, 2015. Collection method: clinical testing. Allele origin: germline. Observed: 2 variant alleles. Not counted in ClinVar's aggregate classification.

Women's Health and Genetics/Laboratory Corporation of America, LabCorp
Classification: Likely benign. Last evaluated: 2023-08-15. Review status: criteria provided, single submitter. Criteria: LabCorp Variant Classification Summary - May 2015. Collection method: clinical testing. Allele origin: germline. Not counted in ClinVar's aggregate classification.
Comment: Variant summary: VWF c.2900G>A (p.Gly967Asp) results in a non-conservative amino acid change located in the von Willebrand factor, type D domain (IPR001846) of the encoded protein sequence. Four of five in-silico tools predict a damaging effect of the variant on protein function. The variant allele was found at a frequency of 0.0025 in 282840 control chromosomes, predominantly at a frequency of 0.026 within the African or African-American subpopulation in the gnomAD database, including 15 homozygotes. The observed variant frequency within African or African-American control individuals in the gnomAD database strongly suggests that the variant is a benign polymorphism found primarily in populations of African or African-American origin. c.2900G>A has been reported in the literature in multiple individuals affected with clinical features of Von Willebrand Disease (e.g., Sadler_2021, Borras_2017, Ornaghi_2021), however, these reports do not provide unequivocal conclusions about association of the variant with Von Willebrand Disease. c.2900G>A has also been reported in the literature in healthy control populations (e.g., Bellissimo_2012). To our knowledge, no experimental evidence demonstrating an impact on protein function has been reported. The following publications have been ascertained in the context of this evaluation (PMID: 22197721, 28971901, 33550700, 33556167). Four submitters have cited clinical-significance assessments for this variant to ClinVar after 2014. All submitters classified the variant as benign or likely benign. Based on the evidence outlined above, the variant was classified as likely benign.

ARUP Laboratories, Molecular Genetics and Genomics, ARUP Laboratories
Classification: Likely benign. Last evaluated: 2022-04-20. Review status: criteria provided, single submitter. Criteria: ARUP Molecular Germline Variant Investigation Process 2021. Collection method: clinical testing. Allele origin: germline. Not counted in ClinVar's aggregate classification.

Quest Diagnostics Nichols Institute San Juan Capistrano
Classification: Likely benign. Last evaluated: 2022-03-25. Review status: criteria provided, single submitter. Criteria: Quest Diagnostics criteria. Collection method: clinical testing. Allele origin: unknown. Not counted in ClinVar's aggregate classification.

Genome-Nilou Lab
Classification: Benign for von Willebrand disease type 1. Last evaluated: 2021-12-05. Review status: criteria provided, single submitter. Criteria: ACMG Guidelines, 2015. Collection method: clinical testing. Allele origin: germline. Affected: no. Not counted in ClinVar's aggregate classification.

Genome-Nilou Lab
Classification: Benign for von Willebrand disease type 3. Last evaluated: 2021-12-05. Review status: criteria provided, single submitter. Criteria: ACMG Guidelines, 2015. Collection method: clinical testing. Allele origin: germline. Affected: no. Not counted in ClinVar's aggregate classification.

Genome-Nilou Lab
Classification: Benign for von Willebrand disease type 2. Last evaluated: 2021-12-05. Review status: criteria provided, single submitter. Criteria: ACMG Guidelines, 2015. Collection method: clinical testing. Allele origin: germline. Affected: no. Not counted in ClinVar's aggregate classification.

GeneDx
Classification: Benign. Last evaluated: 2020-04-14. Review status: criteria provided, single submitter. Criteria: GeneDx Variant Classification Process June 2021. Collection method: clinical testing. Allele origin: germline. Affected: yes. Not counted in ClinVar's aggregate classification.
Comment: This variant is associated with the following publications: (PMID: 22197721, 28971901, 23777763)

Breakthrough Genomics
Classification: Likely benign. Review status: criteria provided, single submitter. Criteria: ACMG Guidelines, 2015. Collection method: not provided. Allele origin: germline. Inheritance: Autosomal recessive inheritance. Affected: yes. Not counted in ClinVar's aggregate classification.

Clinical Genetics DNA and cytogenetics Diagnostics Lab, Erasmus MC, Erasmus Medical Center
Classification: Uncertain significance. Review status: no assertion criteria provided. Collection method: clinical testing. Allele origin: germline. Affected: yes. Study: VKGL Data-share Consensus. Not counted in ClinVar's aggregate classification.

Joint Genome Diagnostic Labs from Nijmegen and Maastricht, Radboudumc and MUMC+
Classification: Uncertain significance. Review status: no assertion criteria provided. Collection method: clinical testing. Allele origin: germline. Affected: yes. Study: VKGL Data-share Consensus. Not counted in ClinVar's aggregate classification.

Literature cited by the submitters: PubMed 22197721 (cited by 3 submitters); PubMed 28971901 (cited by 3 submitters); PubMed 33550700 (cited by 3 submitters); PubMed 33556167 (cited by Mayo Clinic Laboratories, Mayo Clinic and Women's Health and Genetics/Laboratory Corporation of America, LabCorp); PubMed 37845247 (cited by Mayo Clinic Laboratories, Mayo Clinic); PubMed 39076726 (cited by Mayo Clinic Laboratories, Mayo Clinic); PubMed 23777763 (cited by Quest Diagnostics Nichols Institute San Juan Capistrano).

NM_000552.5(VWF):c.2900G>A (p.Gly967Asp)

Gene: VWF (von Willebrand factor; minus strand). Cytogenetic location: 12p13.31.
Variant type: single nucleotide variant.
Coding change: c.2900G>A on transcript NM_000552.5 (MANE Select); coding-DNA position 2900, G replaced by A.
Protein change: p.Gly967Asp; replaces glycine 967 with aspartic acid.
Molecular consequence: missense variant.
Genome position (GRCh38, 1-based): chr12:6,029,409, C>T on the plus strand (G>A on the coding strand, the complement: VWF is on the minus strand). VCF-style: chr12-6029409-C-T. GRCh37 (hg19) VCF-style: chr12-6138575-C-T.
Other names: p.Gly967Asp; NM_000552.5(VWF):c.2900G>A; short protein forms G967D.
Identifiers: ClinVar variation 619932 (VCV000619932.19), dbSNP rs141087261, ClinGen allele CA6402913.